The following is an entry in ClinVar:

ClinVar aggregate classification (germline): Uncertain significance (1 of 4 stars; one submission).

Submission:

Ambry Genetics
Classification: Uncertain significance. Last evaluated: 2023-04-28. Review status: criteria provided, single submitter. Criteria: Ambry Variant Classification Scheme 2023. Collection method: clinical testing. Allele origin: germline.
Comment: The p.M290I variant (also known as c.870G>T), located in coding exon 1 of the MLH3 gene, results from a G to T substitution at nucleotide position 870. The methionine at codon 290 is replaced by isoleucine, an amino acid with highly similar properties. This amino acid position is conserved. In addition, this alteration is predicted to be tolerated by in silico analysis. Since supporting evidence is limited at this time, the clinical significance of this alteration remains unclear.

NM_001040108.2(MLH3):c.870G>T (p.Met290Ile)

Gene: MLH3 (mutL homolog 3; minus strand). Cytogenetic location: 14q24.3.
Variant type: single nucleotide variant.
Coding change: c.870G>T on transcript NM_001040108.2 (MANE Select); coding-DNA position 870, G replaced by T.
Protein change: p.Met290Ile; replaces methionine 290 with isoleucine.
Molecular consequence: missense variant.
Genome position (GRCh38, 1-based): chr14:75,048,786, C>A on the plus strand (G>T on the coding strand, the complement: MLH3 is on the minus strand). VCF-style: chr14-75048786-C-A. GRCh37 (hg19) VCF-style: chr14-75515489-C-A.
Other names: c.870G>T, p.Met290Ile (NM_014381.3); short protein forms M290I.
Identifiers: ClinVar variation 2563549 (VCV002563549.2), dbSNP rs2139596639, ClinGen allele CA390448851.